The following is an entry in ClinVar:

NM_007347.5(AP4E1):c.1558dup (p.Glu520fs)

Gene: AP4E1 (adaptor related protein complex 4 subunit epsilon 1; plus strand). Cytogenetic location: 15q21.2.
Variant type: Duplication.
Coding change: c.1558dup on transcript NM_007347.5 (MANE Select); coding-DNA position 1558, one base duplicated (G; older notation c.1558dupG).
Protein change: p.Glu520fs; shifts the reading frame from glutamic acid 520.
Molecular consequence: frameshift variant.
Genome position (GRCh38, 1-based): chr15:50,958,501, G duplicated; the last of 4 consecutive G bases (chr15:50,958,498-50,958,501); duplicating any one gives the same sequence. VCF-style (leftmost placement, unchanged base first): chr15-50958497-A-AG. GRCh37 (hg19) VCF-style: chr15-51250694-A-AG.
Other names: c.1333dup, p.Glu445fs (NM_001252127.2); short protein forms E445fs, E520fs.
Identifiers: ClinVar variation 1709784 (VCV001709784.2), dbSNP rs2504796812, ClinGen allele CA2580089728.

ClinVar aggregate classification (germline): Likely pathogenic (1 of 4 stars; one submission).

Conditions:
Hereditary spastic paraplegia 51. Also called: CEREBRAL PALSY, SPASTIC QUADRIPLEGIC, 4; Spastic paraplegia 51, autosomal recessive. Identifiers: Orphanet 280763, MedGen C3151056, MONDO:0013401, OMIM 613744.

Submission:

MGZ Medical Genetics Center
Classification: Likely pathogenic for Hereditary spastic paraplegia 51. Last evaluated: 2022-09-01. Review status: criteria provided, single submitter. Criteria: ACMG Guidelines, 2015. Collection method: clinical testing. Allele origin: germline. Affected: yes. Observed: 1 variant allele.
Comment: ACMG criteria applied: PVS1, PM2_SUP